The following is an entry in ClinVar:

ClinVar aggregate classification (germline): Uncertain significance (1 of 4 stars; one submission).

Conditions:
Hereditary spastic paraplegia 11. Also called: SPASTIC PARAPLEGIA, AUTOSOMAL RECESSIVE, COMPLICATED, WITH THIN CORPUS CALLOSUM; SPASTIC PARAPLEGIA, AUTOSOMAL RECESSIVE, WITH MENTAL IMPAIRMENT AND THIN CORPUS CALLOSUM; Spastic Paraplegia 11; Nakamura Osame syndrome; Autosomal recessive hereditary spastic paraplegia, mental impairment, and thin corpus callosum; Spastic paraplegia, mental retardation and thin corpus callosum. Identifiers: Orphanet 2822, MedGen C1858479, MONDO:0011445, OMIM 604360.

Submission:

Labcorp Genetics (formerly Invitae), Labcorp
Classification: Uncertain significance for Hereditary spastic paraplegia 11. Last evaluated: 2021-12-02. Review status: criteria provided, single submitter. Criteria: Invitae Variant Classification Sherloc (09022015). Collection method: clinical testing. Allele origin: germline.
Comment: This variant has not been reported in the literature in individuals affected with SPG11-related conditions. In summary, the available evidence is currently insufficient to determine the role of this variant in disease. Therefore, it has been classified as a Variant of Uncertain Significance. Algorithms developed to predict the effect of missense changes on protein structure and function output the following: SIFT: "Deleterious"; PolyPhen-2: "Probably Damaging"; Align-GVGD: "Class C0". The phenylalanine amino acid residue is found in multiple mammalian species, which suggests that this missense change does not adversely affect protein function. This variant is not present in population databases (gnomAD no frequency). This sequence change replaces leucine, which is neutral and non-polar, with phenylalanine, which is neutral and non-polar, at codon 686 of the SPG11 protein (p.Leu686Phe).

NM_025137.4(SPG11):c.2056C>T (p.Leu686Phe)

Gene: SPG11 (SPG11 vesicle trafficking associated, spatacsin; minus strand). Cytogenetic location: 15q21.1.
Variant type: single nucleotide variant.
Coding change: c.2056C>T on transcript NM_025137.4 (MANE Select); coding-DNA position 2056, C replaced by T.
Protein change: p.Leu686Phe; replaces leucine 686 with phenylalanine.
Molecular consequence: missense variant.
Genome position (GRCh38, 1-based): chr15:44,628,680, G>A on the plus strand (C>T on the coding strand, the complement: SPG11 is on the minus strand). VCF-style: chr15-44628680-G-A. GRCh37 (hg19) VCF-style: chr15-44920878-G-A.
Other names: c.2056C>T, p.Leu686Phe (NM_001160227.2); short protein forms L686F.
Identifiers: ClinVar variation 1359356 (VCV001359356.8), dbSNP rs1160045630, ClinGen allele CA392234067.